The following is an entry in ClinVar:

NM_004990.4(MARS1):c.1545C>G (p.Phe515Leu)

Gene: MARS1 (methionyl-tRNA synthetase 1; plus strand). Cytogenetic location: 12q13.3.
Variant type: single nucleotide variant.
Coding change: c.1545C>G on transcript NM_004990.4 (MANE Select); coding-DNA position 1545, C replaced by G.
Protein change: p.Phe515Leu; replaces phenylalanine 515 with leucine.
Molecular consequence: missense variant.
Genome position (GRCh38, 1-based): chr12:57,512,013, C>G. VCF-style: chr12-57512013-C-G. GRCh37 (hg19) VCF-style: chr12-57905796-C-G.
Other names: short protein forms F515L.
Identifiers: ClinVar variation 3758868 (VCV003758868.2).
Genomic context (GRCh38, chr12:57,512,013, plus strand): 5'-TCAGTTTGAGACTTTGGATTGGTCCCTAACATGTTTACCTCCTTCTGACCTCCAGGTATT[C>G]TATGTCTGGTTTGATGCCACTATTGGCTATCTGTCCATCACAGCCAACTACACAGACCAG-3'
Protein context (NP_004981.2, residues 505-525): VPLEGFEDKV[Phe515Leu]YVWFDATIGY

ClinVar aggregate classification (germline): Uncertain significance (1 of 4 stars; one submission).

Conditions:
Severe early-onset pulmonary alveolar proteinosis due to MARS deficiency. Also called: PULMONARY ALVEOLAR PROTEINOSIS, REUNION ISLAND; Interstitial lung and liver disease. Identifiers: Orphanet 440427, MedGen C4225400, MONDO:0014206, OMIM 615486.
Charcot-Marie-Tooth disease axonal type 2U. Also called: CHARCOT-MARIE-TOOTH NEUROPATHY, TYPE 2U; CHARCOT-MARIE-TOOTH DISEASE, AXONAL, AUTOSOMAL DOMINANT, TYPE 2U. Identifiers: Orphanet 397735, MedGen C4084821, MONDO:0014566, OMIM 616280.

gnomAD v4.1: 1 of 1,613,802 alleles (0.000062%); highest among the groups gnomAD compares: African/African-American, 0.0013%; no homozygotes.

Submission:

Labcorp Genetics (formerly Invitae), Labcorp
Classification: Uncertain significance for Charcot-Marie-Tooth disease axonal type 2U; Severe early-onset pulmonary alveolar proteinosis due to MARS deficiency. Last evaluated: 2024-09-24. Review status: criteria provided, single submitter. Criteria: Invitae Variant Classification Sherloc (09022015). Collection method: clinical testing. Allele origin: germline.
Comment: This sequence change replaces phenylalanine, which is neutral and non-polar, with leucine, which is neutral and non-polar, at codon 515 of the MARS protein (p.Phe515Leu). This variant is present in population databases (no rsID available, gnomAD 0.007%). This variant has not been reported in the literature in individuals affected with MARS-related conditions. An algorithm developed to predict the effect of missense changes on protein structure and function (PolyPhen-2) suggests that this variant is likely to be disruptive. In summary, the available evidence is currently insufficient to determine the role of this variant in disease. Therefore, it has been classified as a Variant of Uncertain Significance.